The following is an entry in ClinVar:

GRCh38/hg38 2q13(chr2:110084138-110212693)x1

Genes: MALL (mal, T cell differentiation protein like; minus strand), MIR4436B1 (microRNA 4436b-1; minus strand), MTLN (mitoregulin; minus strand), NPHP1 (nephrocystin 1; minus strand), LOC126806305 (BRD4-independent group 4 enhancer GRCh37_chr2:110863055-110864254; plus strand) and 2 more. Cytogenetic location: 2q13.
Variant type: copy number loss.
Change: copy number 1 (one copy instead of two) of chr2:110,084,138-110,212,693 (128.6 kb, GRCh38 coordinates, 1-based), cytogenetic band 2q13.
Identifiers: ClinVar variation 59743 (VCV000059743.2).

ClinVar aggregate classification (germline): Benign (1 of 4 stars; one submission).

Submission:

ISCA Site 6
Classification: Benign. Last evaluated: 2011-08-12. Review status: criteria provided, single submitter. Criteria: Kaminsky et al. (Genet Med. 2011). Collection method: clinical testing. Allele origin: maternal. Affected: yes. Observed: 1 variant allele.
Comment: Copy number variation identified through the course of routine clinical cytogenomic testing in postnatal populations. Clinical assertions have been curated as described in Kaminsky et al. 2011.